The following is an entry in ClinVar:

NM_012079.6(DGAT1):c.1094G>A (p.Trp365Ter)

Genes: DGAT1 (diacylglycerol O-acyltransferase 1; minus strand), LOC130001383 (ATAC-STARR-seq lymphoblastoid active region 28093; plus strand). Cytogenetic location: 8q24.3.
Variant type: single nucleotide variant.
Coding change: c.1094G>A on transcript NM_012079.6 (MANE Select); coding-DNA position 1094, G replaced by A.
Protein change: p.Trp365Ter; replaces tryptophan 365 with a stop codon.
Molecular consequence: nonsense.
Genome position (GRCh38, 1-based): chr8:144,317,333, C>T on the plus strand (G>A on the coding strand, the complement: DGAT1 is on the minus strand). VCF-style: chr8-144317333-C-T. GRCh37 (hg19) VCF-style: chr8-145540996-C-T.
Other names: short protein forms W365*.
Identifiers: ClinVar variation 1070479 (VCV001070479.5), dbSNP rs2130513909, ClinGen allele CA372608776.

ClinVar aggregate classification (germline): Pathogenic (1 of 4 stars; one submission).

Submission:

Labcorp Genetics (formerly Invitae), Labcorp
Classification: Pathogenic. Last evaluated: 2022-08-09. Review status: criteria provided, single submitter. Criteria: Invitae Variant Classification Sherloc (09022015). Collection method: clinical testing. Allele origin: germline.
Comment: For these reasons, this variant has been classified as Pathogenic. Algorithms developed to predict the effect of sequence changes on RNA splicing suggest that this variant may create or strengthen a splice site. ClinVar contains an entry for this variant (Variation ID: 1070479). This variant has not been reported in the literature in individuals affected with DGAT1-related conditions. This variant is not present in population databases (gnomAD no frequency). This sequence change creates a premature translational stop signal (p.Trp365*) in the DGAT1 gene. It is expected to result in an absent or disrupted protein product. Loss-of-function variants in DGAT1 are known to be pathogenic (PMID: 29604290).

Literature cited by the submitters: PubMed 29604290.